The following is an entry in ClinVar:

ClinVar aggregate classification (germline): Uncertain significance. Review status: criteria provided, multiple submitters, no conflicts (2 of 4 stars). 3 submissions from 3 submitters: Uncertain significance (3). Last evaluated 2025-04-08.

Conditions:
Hereditary nonpolyposis colorectal neoplasms. Identifiers: MedGen C0009405, MeSH D003123.
Hereditary cancer-predisposing syndrome. Also called: Hereditary Cancer Syndrome; Hereditary neoplastic syndrome; Neoplastic Syndromes, Hereditary; Tumor predisposition. Identifiers: Orphanet 140162, MedGen C0027672, MeSH D009386, MONDO:0015356.

Allele frequency attached by ClinVar (database versions not stated): gnomAD exomes 0.00001; TOPMed 0.00002.
gnomAD v4.1: 4 of 1,614,156 alleles (0.00025%); highest among the groups gnomAD compares: East Asian, 0.0067%; no homozygotes.

Submissions (3):

Labcorp Genetics (formerly Invitae), Labcorp
Classification: Uncertain significance for Hereditary nonpolyposis colorectal neoplasms. Last evaluated: 2025-04-08. Review status: criteria provided, single submitter. Criteria: Invitae Variant Classification Sherloc (09022015). Collection method: clinical testing. Allele origin: germline.
Comment: This sequence change replaces asparagine, which is neutral and polar, with serine, which is neutral and polar, at codon 575 of the PMS2 protein (p.Asn575Ser). This variant is present in population databases (no rsID available, gnomAD 0.01%). This variant has not been reported in the literature in individuals affected with PMS2-related conditions. ClinVar contains an entry for this variant (Variation ID: 455669). Invitae Evidence Modeling incorporating data from in vitro experimental studies (internal data) indicates that this missense variant is not expected to disrupt PMS2 function with a negative predictive value of 95%. In summary, the available evidence is currently insufficient to determine the role of this variant in disease. Therefore, it has been classified as a Variant of Uncertain Significance.

Ambry Genetics
Classification: Uncertain significance for Hereditary cancer-predisposing syndrome. Last evaluated: 2025-02-12. Review status: criteria provided, single submitter. Criteria: Ambry Variant Classification Scheme 2023. Collection method: clinical testing. Allele origin: germline.
Comment: The p.N575S variant (also known as c.1724A>G), located in coding exon 11 of the PMS2 gene, results from an A to G substitution at nucleotide position 1724. The asparagine at codon 575 is replaced by serine, an amino acid with highly similar properties. This amino acid position is not well conserved in available vertebrate species. In addition, this alteration is predicted to be tolerated by in silico analysis. Since supporting evidence is limited at this time, the clinical significance of this alteration remains unclear.

Color Diagnostics, LLC DBA Color Health
Classification: Uncertain significance for Hereditary cancer-predisposing syndrome. Last evaluated: 2024-12-16. Review status: criteria provided, single submitter. Criteria: ACMG Guidelines, 2015. Collection method: clinical testing. Allele origin: germline.
Comment: This missense variant replaces asparagine with serine at codon 575 of the PMS2 protein. Computational prediction suggests that this variant may not impact protein structure and function (internally defined REVEL score threshold <= 0.5, PMID: 27666373). To our knowledge, functional studies have not been reported for this variant. This variant has not been reported in individuals affected with PMS2-related disorders in the literature. This variant has been identified in 3/251362 chromosomes in the general population by the Genome Aggregation Database (gnomAD). The available evidence is insufficient to determine the role of this variant in disease conclusively. Therefore, this variant is classified as a Variant of Uncertain Significance.

NM_000535.7(PMS2):c.1724A>G (p.Asn575Ser)

Gene: PMS2 (PMS1 homolog 2, mismatch repair system component; minus strand). Cytogenetic location: 7p22.1.
Variant type: single nucleotide variant.
Coding change: c.1724A>G on transcript NM_000535.7 (MANE Select); coding-DNA position 1724, A replaced by G.
Protein change: p.Asn575Ser; replaces asparagine 575 with serine.
Molecular consequence: missense variant. On other transcripts: non-coding transcript variant (1).
Genome position (GRCh38, 1-based): chr7:5,987,041, T>C on the plus strand (A>G on the coding strand, the complement: PMS2 is on the minus strand). VCF-style: chr7-5987041-T-C. GRCh37 (hg19) VCF-style: chr7-6026672-T-C.
Other names: c.1319A>G, p.Asn440Ser (NM_001322003.2, NM_001322004.2, NM_001322005.2 and 1 more transcripts); c.1568A>G, p.Asn523Ser (NM_001322006.2); c.1406A>G, p.Asn469Ser (NM_001322007.2, NM_001322008.2); c.1163A>G, p.Asn388Ser (NM_001322010.2); c.791A>G, p.Asn264Ser (NM_001322011.2, NM_001322012.2); c.1151A>G, p.Asn384Ser (NM_001322013.2); c.1724A>G, p.Asn575Ser (NM_001322014.2); c.1415A>G, p.Asn472Ser (NM_001322015.2); short protein forms N575S, N469S, N523S, N472S, N264S, N388S, N384S, N440S.
Identifiers: ClinVar variation 455669 (VCV000455669.21), dbSNP rs1424781748, ClinGen allele CA366740167.